The following is an entry in ClinVar:

ClinVar aggregate classification (germline): Uncertain significance (1 of 4 stars; one submission).

Submission:

Laboratorio de Genetica e Diagnostico Molecular, Hospital Israelita Albert Einstein
Classification: Uncertain significance. Last evaluated: 2019-05-16. Review status: criteria provided, single submitter. Criteria: ACMG Guidelines, 2015. Collection method: clinical testing. Allele origin: germline. Affected: yes.
Comment: ACMG classification criteria: PM2

NM_006734.4(HIVEP2):c.4264C>A (p.Pro1422Thr)

Gene: HIVEP2 (HIVEP zinc finger 2; minus strand). Cytogenetic location: 6q24.2.
Variant type: single nucleotide variant.
Coding change: c.4264C>A on transcript NM_006734.4 (MANE Select); coding-DNA position 4264, C replaced by A.
Protein change: p.Pro1422Thr; replaces proline 1422 with threonine.
Molecular consequence: missense variant.
Genome position (GRCh38, 1-based): chr6:142,770,475, G>T on the plus strand (C>A on the coding strand, the complement: HIVEP2 is on the minus strand). VCF-style: chr6-142770475-G-T. GRCh37 (hg19) VCF-style: chr6-143091612-G-T.
Other names: short protein forms P1422T.
Identifiers: ClinVar variation 1690876 (VCV001690876.2), dbSNP rs752207024, ClinGen allele CA149014988.